The following is an entry in ClinVar:

ClinVar aggregate classification (germline): Benign/Likely benign. Review status: criteria provided, multiple submitters, no conflicts (2 of 4 stars). 5 submissions from 5 submitters: Benign (1); Likely benign (4). Last evaluated 2026-05-12.

Conditions:
Iodotyrosyl coupling defect (TDH3). Also called: THYROID HORMONOGENESIS, GENETIC DEFECT IN, 3; HYPOTHYROIDISM, CONGENITAL, DUE TO DYSHORMONOGENESIS, 3. Identifiers: Orphanet 95716, MedGen C0342194, MONDO:0010135, OMIM 274700.
Autoimmune thyroid disease, susceptibility to, 3. Identifiers: MedGen C1842444, MONDO:0011982, OMIM 608175.

Allele frequency attached by ClinVar (database versions not stated): gnomAD 0.00164 and 0.00195; ExAC 0.00533; gnomAD exomes 0.00624 and 0.00167; 1000 Genomes Project 0.00639; 1000 Genomes Project 30x 0.00640; ESP Exome Variant Server 0.00015; TOPMed 0.00370.
gnomAD v4.1: 2,718 of 1,614,204 alleles (0.17%); highest among the groups gnomAD compares: Admixed American, 2.5%; 51 homozygotes.

Submissions (5):

Women's Health and Genetics/Laboratory Corporation of America, LabCorp
Classification: Likely benign. Last evaluated: 2026-05-12. Review status: criteria provided, single submitter. Criteria: LabCorp Variant Classification Summary - May 2015. Collection method: clinical testing. Allele origin: germline.

Labcorp Genetics (formerly Invitae), Labcorp
Classification: Benign. Last evaluated: 2026-01-28. Review status: criteria provided, single submitter. Criteria: Invitae Variant Classification Sherloc (09022015). Collection method: clinical testing. Allele origin: germline.

Fulgent Genetics
Classification: Likely benign for Iodotyrosyl coupling defect; Autoimmune thyroid disease, susceptibility to, 3. Last evaluated: 2022-02-24. Review status: criteria provided, single submitter. Criteria: ACMG Guidelines, 2015. Collection method: clinical testing. Allele origin: unknown.

Illumina Laboratory Services, Illumina
Classification: Likely benign for Iodotyrosyl coupling defect. Last evaluated: 2017-04-27. Review status: criteria provided, single submitter. Criteria: ICSL Variant Classification Criteria 13 December 2019. Collection method: clinical testing. Allele origin: germline.
Comment: This variant was observed as part of a predisposition screen in an ostensibly healthy population. A literature search was performed for the gene, cDNA change, and amino acid change (where applicable). Publications were found based on this search. The evidence from the literature, in combination with allele frequency data from public databases where available, was sufficient to determine this variant is unlikely to cause disease. Therefore, this variant is classified as likely benign.

Breakthrough Genomics
Classification: Likely benign. Review status: criteria provided, single submitter. Criteria: ACMG Guidelines, 2015. Collection method: not provided. Allele origin: germline. Inheritance: Autosomal recessive inheritance. Affected: yes.

Literature cited by the submitters: PubMed 23535966 (cited by Illumina Laboratory Services, Illumina).

NM_003235.5(TG):c.3665C>T (p.Ser1222Leu)

Gene: TG (thyroglobulin; plus strand). Cytogenetic location: 8q24.22.
Variant type: single nucleotide variant.
Coding change: c.3665C>T on transcript NM_003235.5 (MANE Select); coding-DNA position 3665, C replaced by T.
Protein change: p.Ser1222Leu; replaces serine 1222 with leucine.
Molecular consequence: missense variant.
Genome position (GRCh38, 1-based): chr8:132,906,718, C>T. VCF-style: chr8-132906718-C-T. GRCh37 (hg19) VCF-style: chr8-133918963-C-T.
Other names: short protein forms S1222L.
Identifiers: ClinVar variation 771426 (VCV000771426.14), dbSNP rs12549018, ClinGen allele CA4883846.